The following is an entry in ClinVar:

ClinVar aggregate classification (germline): Likely pathogenic (1 of 4 stars; one submission).

Conditions:
Familial cancer of breast. Also called: hereditary breast carcinoma; BREAST CANCER, FAMILIAL; Hereditary breast cancer. Identifiers: Orphanet 227535, MedGen C0346153, MONDO:0016419, OMIM 114480. Disease mechanism: loss of function.

Submission:

Labcorp Genetics (formerly Invitae), Labcorp
Classification: Likely pathogenic for Familial cancer of breast. Last evaluated: 2025-07-18. Review status: criteria provided, single submitter. Criteria: Invitae Variant Classification Sherloc (09022015). Collection method: clinical testing. Allele origin: germline.
Comment: This sequence change affects a splice site in intron 1 of the BARD1 gene. It is expected to disrupt RNA splicing. Variants that disrupt the donor or acceptor splice site typically lead to a loss of protein function (PMID: 16199547), and loss-of-function variants in BARD1 are known to be pathogenic (PMID: 20077502, 21344236). This variant is not present in population databases (gnomAD no frequency). This variant has not been reported in the literature in individuals affected with BARD1-related conditions. Algorithms developed to predict the effect of sequence changes on RNA splicing suggest that this variant may disrupt the consensus splice site. In summary, the currently available evidence indicates that the variant is pathogenic, but additional data are needed to prove that conclusively. Therefore, this variant has been classified as Likely Pathogenic.

Literature cited by the submitters: PubMed 16199547; PubMed 20077502; PubMed 21344236.

NM_000465.4(BARD1):c.159-2_159-1del

Gene: BARD1 (BRCA1 associated RING domain 1; minus strand). Cytogenetic location: 2q35.
Variant type: Deletion.
Coding change: c.159-2_159-1del on transcript NM_000465.4 (MANE Select); the canonical splice acceptor site of the intron before coding-DNA position 159, 2 bases deleted (AG; older notation c.159-2_159-1delAG).
Molecular consequence: splice acceptor variant. On other transcripts: intron variant (2).
Genome position (GRCh38, 1-based): chr2:214,797,118-214,797,119, CT deleted on the plus strand (AG on the coding strand, the reverse complement: BARD1 is on the minus strand). VCF-style (leftmost placement, unchanged base first): chr2-214797117-ACT-A. GRCh37 (hg19) VCF-style: chr2-215661841-ACT-A.
Other names: c.158+12293_158+12294del (NM_001282548.2); c.159-4674_159-4673del (NM_001282543.2); c.159-2_159-1del (NM_001282545.2, NM_001282549.2).
Identifiers: ClinVar variation 4723422 (VCV004723422.1).